The following is an entry in ClinVar:

ClinVar aggregate classification (germline): Uncertain significance. Review status: criteria provided, multiple submitters, no conflicts (2 of 4 stars). 2 submissions from 2 submitters: Uncertain significance (2). Last evaluated 2023-08-31.

Conditions:
Inborn genetic diseases. Identifiers: MedGen C0950123, MeSH D030342.
Charcot-Marie-Tooth disease type 4. Also called: Charcot-Marie-Tooth, Type 4; Charcot-Marie-Tooth disease, type IV. Identifiers: Orphanet 64749, MedGen C4082197, MONDO:0018995.

Allele frequency attached by ClinVar (database versions not stated): TOPMed 0.00002; gnomAD exomes below 0.00001; ExAC 0.00001; gnomAD 0.00002.
gnomAD v4.1: 4 of 1,613,912 alleles (0.00025%); highest among the groups gnomAD compares: African/African-American, 0.004%; no homozygotes.

Submissions (2):

Ambry Genetics
Classification: Uncertain significance for Inborn genetic diseases. Last evaluated: 2023-08-31. Review status: criteria provided, single submitter. Criteria: Ambry Variant Classification Scheme 2023. Collection method: clinical testing. Allele origin: germline.
Comment: The c.3478+4G>A intronic alteration consists of a G to A substitution nucleotides after coding exon 15 in the SH3TC2 gene. Based on insufficient or conflicting evidence, the clinical significance of this alteration remains unclear.

Labcorp Genetics (formerly Invitae), Labcorp
Classification: Uncertain significance for Charcot-Marie-Tooth disease type 4. Last evaluated: 2022-06-15. Review status: criteria provided, single submitter. Criteria: Invitae Variant Classification Sherloc (09022015). Collection method: clinical testing. Allele origin: germline.
Comment: In summary, the available evidence is currently insufficient to determine the role of this variant in disease. Therefore, it has been classified as a Variant of Uncertain Significance. Variants that disrupt the consensus splice site are a relatively common cause of aberrant splicing (PMID: 17576681, 9536098). Algorithms developed to predict the effect of sequence changes on RNA splicing suggest that this variant is not likely to affect RNA splicing. This variant has not been reported in the literature in individuals affected with SH3TC2-related conditions. This variant is present in population databases (rs767101730, gnomAD 0.007%). This sequence change falls in intron 15 of the SH3TC2 gene. It does not directly change the encoded amino acid sequence of the SH3TC2 protein. It affects a nucleotide within the consensus splice site.

Literature cited by the submitters: PubMed 17576681 (cited by Labcorp Genetics (formerly Invitae), Labcorp); PubMed 9536098 (cited by Labcorp Genetics (formerly Invitae), Labcorp).

NM_024577.4(SH3TC2):c.3478+4G>A

Gene: SH3TC2 (SH3 domain and tetratricopeptide repeats 2; minus strand). Cytogenetic location: 5q32.
Variant type: single nucleotide variant.
Coding change: c.3478+4G>A on transcript NM_024577.4 (MANE Select); 4 bases into the intron after coding-DNA position 3478, G replaced by A.
Molecular consequence: intron variant.
Genome position (GRCh38, 1-based): chr5:149,008,847, C>T on the plus strand (G>A on the coding strand, the complement: SH3TC2 is on the minus strand). VCF-style: chr5-149008847-C-T. GRCh37 (hg19) VCF-style: chr5-148388410-C-T.
Other names: c.3478+4G>A (NM_024577.3).
Identifiers: ClinVar variation 2082119 (VCV002082119.6), dbSNP rs767101730, ClinGen allele CA3498741.